The following is an entry in ClinVar:

ClinVar aggregate classification (germline): Uncertain significance (1 of 4 stars; one submission).

Conditions:
MHC class I deficiency. Identifiers: Orphanet 34592, MedGen C6024714, MONDO:0011476.

Submission:

Labcorp Genetics (formerly Invitae), Labcorp
Classification: Uncertain significance for MHC class I deficiency 1. Last evaluated: 2024-02-24. Review status: criteria provided, single submitter. Criteria: Invitae Variant Classification Sherloc (09022015). Collection method: clinical testing. Allele origin: germline.
Comment: This sequence change replaces glycine, which is neutral and non-polar, with glutamic acid, which is acidic and polar, at codon 50 of the TAPBP protein (p.Gly50Glu). This variant is not present in population databases (gnomAD no frequency). This variant has not been reported in the literature in individuals affected with TAPBP-related conditions. ClinVar contains an entry for this variant (Variation ID: 2185745). An algorithm developed to predict the effect of missense changes on protein structure and function (PolyPhen-2) suggests that this variant is likely to be disruptive. In summary, the available evidence is currently insufficient to determine the role of this variant in disease. Therefore, it has been classified as a Variant of Uncertain Significance.

NM_003190.5(TAPBP):c.149G>A (p.Gly50Glu)

Gene: TAPBP (TAP binding protein; minus strand). Cytogenetic location: 6p21.32.
Variant type: single nucleotide variant.
Coding change: c.149G>A on transcript NM_003190.5 (MANE Select); coding-DNA position 149, G replaced by A.
Protein change: p.Gly50Glu; replaces glycine 50 with glutamic acid.
Molecular consequence: missense variant.
Genome position (GRCh38, 1-based): chr6:33,313,753, C>T on the plus strand (G>A on the coding strand, the complement: TAPBP is on the minus strand). VCF-style: chr6-33313753-C-T. GRCh37 (hg19) VCF-style: chr6-33281530-C-T.
Other names: c.149G>A, p.Gly50Glu (NM_001410875.1, NM_172208.3, NM_172209.3); short protein forms G50E.
Identifiers: ClinVar variation 2185745 (VCV002185745.4), dbSNP rs2536782642, ClinGen allele CA363622464.